The following is an entry in ClinVar:

ClinVar aggregate classification (germline): Uncertain significance (1 of 4 stars; one submission).

Conditions:
Proline dehydrogenase deficiency (HYRPRO1). Also called: PROLINE OXIDASE DEFICIENCY; Hyperprolinemia type 1. Identifiers: Orphanet 419, MedGen C0268529, MONDO:0009400, OMIM 239500.

Allele frequency attached by ClinVar (database versions not stated): gnomAD 0.00003; gnomAD exomes 0.00011.

Submission:

Labcorp Genetics (formerly Invitae), Labcorp
Classification: Uncertain significance for Proline dehydrogenase deficiency. Last evaluated: 2025-06-02. Review status: criteria provided, single submitter. Criteria: Invitae Variant Classification Sherloc (09022015). Collection method: clinical testing. Allele origin: germline.
Comment: This sequence change replaces arginine, which is basic and polar, with leucine, which is neutral and non-polar, at codon 27 of the PRODH protein (p.Arg27Leu). The frequency data for this variant in the population databases is considered unreliable, as metrics indicate poor data quality at this position in the gnomAD database. This variant has not been reported in the literature in individuals affected with PRODH-related conditions. ClinVar contains an entry for this variant (Variation ID: 459919). An algorithm developed to predict the effect of missense changes on protein structure and function (PolyPhen-2) suggests that this variant is likely to be tolerated. In summary, the available evidence is currently insufficient to determine the role of this variant in disease. Therefore, it has been classified as a Variant of Uncertain Significance.

NM_016335.6(PRODH):c.80G>T (p.Arg27Leu)

Gene: PRODH (proline dehydrogenase 1; minus strand). Cytogenetic location: 22q11.21.
Variant type: single nucleotide variant.
Coding change: c.80G>T on transcript NM_016335.6 (MANE Select); coding-DNA position 80, G replaced by T.
Protein change: p.Arg27Leu; replaces arginine 27 with leucine.
Molecular consequence: missense variant. On other transcripts: intron variant (1).
Genome position (GRCh38, 1-based): chr22:18,936,208, C>A on the plus strand (G>T on the coding strand, the complement: PRODH is on the minus strand). VCF-style: chr22-18936208-C-A. GRCh37 (hg19) VCF-style: chr22-18923721-C-A.
Other names: c.-52+182G>T (NM_001195226.2); short protein forms R27L.
Identifiers: ClinVar variation 459919 (VCV000459919.7), dbSNP rs1411529753, ClinGen allele CA410654317.